The following is an entry in ClinVar:

NM_024577.4(SH3TC2):c.896G>C (p.Gly299Ala)

Gene: SH3TC2 (SH3 domain and tetratricopeptide repeats 2; minus strand). Cytogenetic location: 5q32.
Variant type: single nucleotide variant.
Coding change: c.896G>C on transcript NM_024577.4 (MANE Select); coding-DNA position 896, G replaced by C.
Protein change: p.Gly299Ala; replaces glycine 299 with alanine.
Molecular consequence: missense variant.
Genome position (GRCh38, 1-based): chr5:149,038,400, C>G on the plus strand (G>C on the coding strand, the complement: SH3TC2 is on the minus strand). VCF-style: chr5-149038400-C-G. GRCh37 (hg19) VCF-style: chr5-148417963-C-G.
Other names: short protein forms G299A.
Identifiers: ClinVar variation 941711 (VCV000941711.10), dbSNP rs1222332332, ClinGen allele CA361672801.

ClinVar aggregate classification (germline): Conflicting classifications of pathogenicity. Review status: criteria provided, conflicting classifications (1 of 4 stars). 2 submissions from 2 submitters: Likely pathogenic (1); Uncertain significance (1). Last evaluated 2024-07-05.

Conditions:
Charcot-Marie-Tooth disease type 4. Also called: Charcot-Marie-Tooth disease, type IV; Charcot-Marie-Tooth, Type 4. Identifiers: Orphanet 64749, MedGen C4082197, MONDO:0018995.

Allele frequency attached by ClinVar (database versions not stated): gnomAD exomes below 0.00001; TOPMed 0.00001.
gnomAD v4.1: 3 of 1,614,062 alleles (0.00019%); highest among the groups gnomAD compares: African/African-American, 0.0013%; no homozygotes.

Submissions (2):

Women's Health and Genetics/Laboratory Corporation of America, LabCorp
Classification: Uncertain significance. Last evaluated: 2024-07-05. Review status: criteria provided, single submitter. Criteria: LabCorp Variant Classification Summary - May 2015. Collection method: clinical testing. Allele origin: germline.
Comment: Variant summary: SH3TC2 c.896G>C (p.Gly299Ala) results in a non-conservative amino acid change located in the SH3 domain (IPR001452) of the encoded protein sequence. Three of five in-silico tools predict a damaging effect of the variant on protein function. The variant was absent in 251468 control chromosomes. The available data on variant occurrences in the general population are insufficient to allow any conclusion about variant significance. To our knowledge, no occurrence of c.896G>C in individuals affected with AR-Charcot-Marie Disease Type 4C or AD-Mononeuropathy of the median nerve, mild, and no experimental evidence demonstrating its impact on protein function have been reported. ClinVar contains an entry for this variant (Variation ID: 941711). Based on the evidence outlined above, the variant was classified as uncertain significance.

Labcorp Genetics (formerly Invitae), Labcorp
Classification: Likely pathogenic for Charcot-Marie-Tooth disease type 4. Last evaluated: 2024-06-25. Review status: criteria provided, single submitter. Criteria: Invitae Variant Classification Sherloc (09022015). Collection method: clinical testing. Allele origin: germline.
Comment: This sequence change replaces glycine, which is neutral and non-polar, with alanine, which is neutral and non-polar, at codon 299 of the SH3TC2 protein (p.Gly299Ala). This variant is present in population databases (no rsID available, gnomAD 0.007%). This missense change has been observed in individual(s) with SH3TC2-related conditions (Invitae). In at least one individual the data is consistent with being in trans (on the opposite chromosome) from a pathogenic variant. ClinVar contains an entry for this variant (Variation ID: 941711). Advanced modeling of protein sequence and biophysical properties (such as structural, functional, and spatial information, amino acid conservation, physicochemical variation, residue mobility, and thermodynamic stability) has been performed at Invitae for this missense variant, however the output from this modeling did not meet the statistical confidence thresholds required to predict the impact of this variant on SH3TC2 protein function. This variant disrupts the p.Gly299 amino acid residue in SH3TC2. Other variant(s) that disrupt this residue have been determined to be pathogenic (PMID: 33643188; Invitae). This suggests that this residue is clinically significant, and that variants that disrupt this residue are likely to be disease-causing. In summary, the currently available evidence indicates that the variant is pathogenic, but additional data are needed to prove that conclusively. Therefore, this variant has been classified as Likely Pathogenic.

Literature cited by the submitters: PubMed 33643188 (cited by Labcorp Genetics (formerly Invitae), Labcorp).